The following is an entry in ClinVar:

ClinVar aggregate classification (germline): Uncertain significance (1 of 4 stars; one submission).

Conditions:
Duchenne muscular dystrophy (DMD). Also called: MUSCULAR DYSTROPHY, PSEUDOHYPERTROPHIC PROGRESSIVE, DUCHENNE TYPE; Duchenne Muscular Dystrophy (DMD). Identifiers: Orphanet 98896, MedGen C0013264, MONDO:0010679, OMIM 310200.

Submission:

Labcorp Genetics (formerly Invitae), Labcorp
Classification: Uncertain significance for Duchenne muscular dystrophy. Last evaluated: 2024-06-26. Review status: criteria provided, single submitter. Criteria: Invitae Variant Classification Sherloc (09022015). Collection method: clinical testing. Allele origin: germline.
Comment: This sequence change falls in intron 71 of the DMD gene. It does not directly change the encoded amino acid sequence of the DMD protein. This variant is not present in population databases (gnomAD no frequency). This variant has not been reported in the literature in individuals affected with DMD-related conditions. Algorithms developed to predict the effect of sequence changes on RNA splicing suggest that this variant may disrupt the consensus splice site. In summary, the available evidence is currently insufficient to determine the role of this variant in disease. Therefore, it has been classified as a Variant of Uncertain Significance.

NM_004006.3(DMD):c.10262+7A>G

Gene: DMD (dystrophin; minus strand). Cytogenetic location: Xp21.2.
Variant type: single nucleotide variant.
Coding change: c.10262+7A>G on transcript NM_004006.3 (MANE Select); 7 bases into the intron after coding-DNA position 10262, A replaced by G.
Molecular consequence: intron variant.
Genome position (GRCh38, 1-based): chrX:31,177,925, T>C on the plus strand (A>G on the coding strand, the complement: DMD is on the minus strand). VCF-style: chrX-31177925-T-C. GRCh37 (hg19) VCF-style: chrX-31196042-T-C.
Other names: c.10238+7A>G (NM_000109.4); c.6239+7A>G (NM_004011.4); c.6230+7A>G (NM_004012.4); c.2843+744A>G (NM_004023.3, NM_004020.4, NM_004022.3); c.2882+7A>G (NM_004021.3, NM_004013.3); c.2075+7A>G (NM_004014.3); c.1019+744A>G (NM_004018.3, NM_004017.3); c.1058+7A>G (NM_004016.3, NM_004015.3); and 2 more.
Identifiers: ClinVar variation 3658006 (VCV003658006.2).